The following is an entry in ClinVar:

ClinVar aggregate classification (germline): Uncertain significance (1 of 4 stars; one submission).

Conditions:
Emery-Dreifuss muscular dystrophy 4, autosomal dominant (EDMD4). Also called: EMERY-DREIFUSS MUSCULAR DYSTROPHY 4 WITH VARIABLE FEATURES. Identifiers: Orphanet 261, MedGen C2751807, MONDO:0013071, OMIM 612998.
Autosomal recessive ataxia, Beauce type. Also called: Spinocerebellar ataxia, autosomal recessive 8; ATAXIA, RECESSIVE, OF BEAUCE; SYNE1 Deficiency; SYNE1-Related Autosomal Recessive Cerebellar Ataxia. Identifiers: Orphanet 88644, MedGen C1853116, MONDO:0012549, OMIM 610743.

Allele frequency attached by ClinVar (database versions not stated): gnomAD exomes below 0.00001; ExAC 0.00001; gnomAD 0.00001; TOPMed 0.00001.
gnomAD v4.1: 3 of 1,613,890 alleles (0.00019%); highest among the groups gnomAD compares: African/African-American, 0.0013%; no homozygotes.

Submission:

Labcorp Genetics (formerly Invitae), Labcorp
Classification: Uncertain significance for Emery-Dreifuss muscular dystrophy 4, autosomal dominant; Autosomal recessive ataxia, Beauce type. Last evaluated: 2021-06-09. Review status: criteria provided, single submitter. Criteria: Invitae Variant Classification Sherloc (09022015). Collection method: clinical testing. Allele origin: germline.
Comment: In summary, the available evidence is currently insufficient to determine the role of this variant in disease. Therefore, it has been classified as a Variant of Uncertain Significance. Algorithms developed to predict the effect of missense changes on protein structure and function are either unavailable or do not agree on the potential impact of this missense change (SIFT: "Deleterious"; PolyPhen-2: "Benign"; Align-GVGD: "Class C25"). This variant has not been reported in the literature in individuals with SYNE1-related conditions. This variant is present in population databases (rs769992083, ExAC 0.01%). This sequence change replaces isoleucine with valine at codon 4096 of the SYNE1 protein (p.Ile4096Val). The isoleucine residue is highly conserved and there is a small physicochemical difference between isoleucine and valine.

NM_182961.4(SYNE1):c.12499A>G (p.Ile4167Val)

Gene: SYNE1 (spectrin repeat containing nuclear envelope protein 1; minus strand). Cytogenetic location: 6q25.2.
Variant type: single nucleotide variant.
Coding change: c.12499A>G on transcript NM_182961.4 (MANE Select); coding-DNA position 12499, A replaced by G.
Protein change: p.Ile4167Val; replaces isoleucine 4167 with valine.
Molecular consequence: missense variant.
Genome position (GRCh38, 1-based): chr6:152,336,870, T>C on the plus strand (A>G on the coding strand, the complement: SYNE1 is on the minus strand). VCF-style: chr6-152336870-T-C. GRCh37 (hg19) VCF-style: chr6-152658005-T-C.
Other names: c.12286A>G, p.Ile4096Val (NM_033071.5); short protein forms I4096V, I4167V.
Identifiers: ClinVar variation 1512554 (VCV001512554.8), dbSNP rs769992083, ClinGen allele CA4056386.